The following is an entry in ClinVar:

ClinVar aggregate classification (germline): Likely benign (0 of 4 stars; one submission).

Conditions:
MYL1-related disorder. Also called: MYL1-related condition.

Allele frequency attached by ClinVar (database versions not stated): ESP Exome Variant Server 0.00008; gnomAD 0.00022.
gnomAD v4.1: 384 of 1,613,798 alleles (0.024%); highest among the groups gnomAD compares: Middle Eastern, 0.12%; 1 homozygote.

Submission:

PreventionGenetics, part of Exact Sciences
Classification: Likely benign for MYL1-related condition. Last evaluated: 2020-01-16. Review status: no assertion criteria provided. Collection method: clinical testing. Allele origin: germline.
Comment: This variant is classified as likely benign based on ACMG/AMP sequence variant interpretation guidelines (Richards et al. 2015 PMID: 25741868, with internal and published modifications).

NM_079420.3(MYL1):c.117C>T (p.Asp39=)

Gene: MYL1 (myosin light chain 1; minus strand). Cytogenetic location: 2q34.
Variant type: single nucleotide variant.
Coding change: c.117C>T on transcript NM_079420.3 (MANE Select); coding-DNA position 117, C replaced by T.
Protein change: p.Asp39=; no amino-acid change (aspartic acid 39 retained).
Molecular consequence: synonymous variant.
Genome position (GRCh38, 1-based): chr2:210,314,926, G>A on the plus strand (C>T on the coding strand, the complement: MYL1 is on the minus strand). VCF-style: chr2-210314926-G-A. GRCh37 (hg19) VCF-style: chr2-211179650-G-A.
Identifiers: ClinVar variation 3041787 (VCV003041787.2), dbSNP rs376404409, ClinGen allele CA2085377.